The following is an entry in ClinVar:

ClinVar aggregate classification (germline): Uncertain significance (1 of 4 stars; one submission).

gnomAD v4.1: 3 of 1,602,916 alleles (0.00019%); highest among the groups gnomAD compares: Non-Finnish European, 0.00026%; no homozygotes.

Submission:

Labcorp Genetics (formerly Invitae), Labcorp
Classification: Uncertain significance. Last evaluated: 2026-02-01. Review status: criteria provided, single submitter. Criteria: Invitae Variant Classification Sherloc (09022015). Collection method: clinical testing. Allele origin: germline.
Comment: This sequence change replaces alanine, which is neutral and non-polar, with valine, which is neutral and non-polar, at codon 521 of the TELO2 protein (p.Ala521Val). The frequency data for this variant in the population databases is considered unreliable, as metrics indicate poor data quality at this position in the gnomAD database. This variant has not been reported in the literature in individuals affected with TELO2-related conditions. Invitae Evidence Modeling of protein sequence and biophysical properties (such as structural, functional, and spatial information, amino acid conservation, physicochemical variation, residue mobility, and thermodynamic stability) indicates that this missense variant is not expected to disrupt TELO2 protein function with a negative predictive value of 95%. In summary, the available evidence is currently insufficient to determine the role of this variant in disease. Therefore, it has been classified as a Variant of Uncertain Significance.

NM_016111.4(TELO2):c.1562C>T (p.Ala521Val)

Gene: TELO2 (telomere maintenance 2; plus strand). Cytogenetic location: 16p13.3.
Variant type: single nucleotide variant.
Coding change: c.1562C>T on transcript NM_016111.4 (MANE Select); coding-DNA position 1562, C replaced by T.
Protein change: p.Ala521Val; replaces alanine 521 with valine.
Molecular consequence: missense variant.
Genome position (GRCh38, 1-based): chr16:1,502,313, C>T. VCF-style: chr16-1502313-C-T. GRCh37 (hg19) VCF-style: chr16-1552314-C-T.
Other names: c.1562C>T, p.Ala521Val (NM_001351846.2); short protein forms A521V.
Identifiers: ClinVar variation 4749348 (VCV004749348.1).